The following is an entry in ClinVar:

NM_000283.4(PDE6B):c.932T>C (p.Ile311Thr)

Genes: PDE6B (phosphodiesterase 6B; plus strand), PDE6B-AS1 (PDE6B antisense RNA 1; minus strand). Cytogenetic location: 4p16.3.
Variant type: single nucleotide variant.
Coding change: c.932T>C on transcript NM_000283.4 (MANE Select); coding-DNA position 932, T replaced by C.
Protein change: p.Ile311Thr; replaces isoleucine 311 with threonine.
Molecular consequence: missense variant. On other transcripts: 5 prime UTR variant (1).
Genome position (GRCh38, 1-based): chr4:654,828, T>C. VCF-style: chr4-654828-T-C. GRCh37 (hg19) VCF-style: chr4-648617-T-C.
Other names: c.932T>C, p.Ile311Thr (NM_001145291.2); c.95T>C, p.Ile32Thr (NM_001145292.2, NM_001350154.3, NM_001379246.1 and 1 more transcripts); c.-109T>C (NM_001350155.3); short protein forms I311T, I32T.
Identifiers: ClinVar variation 349367 (VCV000349367.16), dbSNP rs886059543, ClinGen allele CA10619044.
Genomic context (GRCh38, chr4:654,828, plus strand): 5'-TGAGCCCCTCAGAGCTTGGCCAGGCAGCCCCCCGACCAGTGTCTTCTGCTTCTCAGGAAA[T>C]TGTCTTCTACAAAGTGATCGACTACGTCCTCCACGGCAAGGAGGAGATCAAGGTCATTCC-3'
Protein context (NP_000274.3, residues 301-321): SGPRTPDGRE[Ile311Thr]VFYKVIDYVL

ClinVar aggregate classification (germline): Uncertain significance. Review status: criteria provided, multiple submitters, no conflicts (2 of 4 stars). 3 submissions from 2 submitters: Uncertain significance (3). Last evaluated 2022-02-03.

Conditions:
Congenital stationary night blindness autosomal dominant 2. Also called: NIGHT BLINDNESS, CONGENITAL STATIONARY, RAMBUSCH TYPE. Identifiers: Orphanet 215, MedGen C1876182, MONDO:0008099, OMIM 163500.
Retinitis pigmentosa (RP). Identifiers: Orphanet 791, MedGen C0035334, MeSH D012174, MONDO:0019200, OMIM 268000. Inheritance: Autosomal dominant, autosomal recessive and X linked inheritance.

Allele frequency attached by ClinVar (database versions not stated): TOPMed below 0.00001; gnomAD 0.00001.
gnomAD v4.1: 2 of 1,541,492 alleles (0.00013%); highest among the groups gnomAD compares: Non-Finnish European, 0.00009%; no homozygotes.

Submissions (3):

Labcorp Genetics (formerly Invitae), Labcorp
Classification: Uncertain significance. Last evaluated: 2022-02-03. Review status: criteria provided, single submitter. Criteria: Invitae Variant Classification Sherloc (09022015). Collection method: clinical testing. Allele origin: germline.
Comment: This sequence change replaces isoleucine, which is neutral and non-polar, with threonine, which is neutral and polar, at codon 311 of the PDE6B protein (p.Ile311Thr). This variant is not present in population databases (gnomAD no frequency). This variant has not been reported in the literature in individuals affected with PDE6B-related conditions. ClinVar contains an entry for this variant (Variation ID: 349367). Algorithms developed to predict the effect of missense changes on protein structure and function are either unavailable or do not agree on the potential impact of this missense change (SIFT: "Deleterious"; PolyPhen-2: "Possibly Damaging"; Align-GVGD: "Class C0"). In summary, the available evidence is currently insufficient to determine the role of this variant in disease. Therefore, it has been classified as a Variant of Uncertain Significance.

Illumina Laboratory Services, Illumina
Classification: Uncertain significance for Congenital stationary night blindness autosomal dominant 2. Last evaluated: 2018-01-13. Review status: criteria provided, single submitter. Criteria: ICSL Variant Classification Criteria 13 December 2019. Collection method: clinical testing. Allele origin: germline.

Illumina Laboratory Services, Illumina
Classification: Uncertain significance for Retinitis pigmentosa. Last evaluated: 2018-01-13. Review status: criteria provided, single submitter. Criteria: ICSL Variant Classification Criteria 13 December 2019. Collection method: clinical testing. Allele origin: germline.